The following is an entry in ClinVar:

NC_000004.11:g.(?_170482611)_(170523781_?)dup

Gene: NEK1 (NIMA related kinase 1; minus strand). Cytogenetic location: 4q33.
Variant type: Duplication.
Identifiers: ClinVar variation 2425781 (VCV002425781.4).

ClinVar aggregate classification (germline): Uncertain significance (1 of 4 stars; one submission).

Conditions:
Short-rib thoracic dysplasia 6 with or without polydactyly (SRTD6). Also called: Majewski Syndrome; POLYDACTYLY WITH NEONATAL CHONDRODYSTROPHY, TYPE II; SHORT-RIB THORACIC DYSPLASIA 6 WITH POLYDACTYLY; SHORT-RIB THORACIC DYSPLASIA 6 WITHOUT POLYDACTYLY; SHORT RIB-POLYDACTYLY SYNDROME, TYPE IIA. Identifiers: MedGen C0024507, MONDO:0009894, OMIM 263520.

Submission:

Labcorp Genetics (formerly Invitae), Labcorp
Classification: Uncertain significance for Short-rib thoracic dysplasia 6 with or without polydactyly. Last evaluated: 2023-08-27. Review status: criteria provided, single submitter. Criteria: Invitae Variant Classification Sherloc (09022015). Collection method: clinical testing. Allele origin: germline.
Comment: In summary, the available evidence is currently insufficient to determine the role of this variant in disease. Therefore, it has been classified as a Variant of Uncertain Significance. Experimental studies and prediction algorithms are not available or were not evaluated, and the functional significance of this variant is currently unknown. This variant has not been reported in the literature in individuals affected with NEK1-related conditions. This variant results in a copy number gain of the genomic region encompassing exon(s) 2-15 of the NEK1 gene. This region includes the initiator codon of the gene. This copy number gain extends beyond the assayed region for this gene and therefore may encompass additional genes. As the precise location of this event is unknown, it may be in tandem or it may be located elsewhere in the genome.